The following is an entry in ClinVar:

ClinVar aggregate classification (germline): Uncertain significance. Review status: criteria provided, multiple submitters, no conflicts (2 of 4 stars). 3 submissions from 3 submitters: Uncertain significance (2). 1 of the submissions does not count toward it. Last evaluated 2022-05-13.

Conditions:
Autosomal recessive limb-girdle muscular dystrophy type 2C (LGMDR5). Also called: MUSCULAR DYSTROPHY, LIMB-GIRDLE, AUTOSOMAL RECESSIVE 5; MUSCULAR DYSTROPHY, DUCHENNE-LIKE. Identifiers: Orphanet 353, MedGen C0410173, MONDO:0009677, OMIM 253700. Disease mechanism: Affects gamma-sarcoglycan and also disrupts the integrity of the entire sarcoglycan complex..

Submissions (3):

Labcorp Genetics (formerly Invitae), Labcorp
Classification: Uncertain significance for Autosomal recessive limb-girdle muscular dystrophy type 2C. Last evaluated: 2022-05-13. Review status: criteria provided, single submitter. Criteria: Invitae Variant Classification Sherloc (09022015). Collection method: clinical testing. Allele origin: germline.
Comment: In summary, the available evidence is currently insufficient to determine the role of this variant in disease. Therefore, it has been classified as a Variant of Uncertain Significance. Experimental studies and prediction algorithms are not available or were not evaluated, and the functional significance of this variant is currently unknown. ClinVar contains an entry for this variant (Variation ID: 555343). This variant has not been reported in the literature in individuals affected with SGCG-related conditions. This variant is not present in population databases (gnomAD no frequency). This variant, c.714_719del, results in the deletion of 2 amino acid(s) of the SGCG protein (p.Asp238_Ala239del), but otherwise preserves the integrity of the reading frame.

Blueprint Genetics
Classification: Uncertain significance. Last evaluated: 2020-02-03. Review status: criteria provided, single submitter. Criteria: ACMG Guidelines, 2015. Collection method: clinical testing. Allele origin: germline.

Counsyl
Classification: Uncertain significance for Autosomal recessive limb-girdle muscular dystrophy type 2C. Last evaluated: 2017-12-01. Review status: no assertion criteria provided. Collection method: clinical testing. Allele origin: unknown. Not counted in ClinVar's aggregate classification.

NM_000231.3(SGCG):c.714_719del (p.Asp238_Ala239del)

Gene: SGCG (sarcoglycan gamma; plus strand). Cytogenetic location: 13q12.12.
Variant type: Deletion.
Coding change: c.714_719del on transcript NM_000231.3 (MANE Select); coding-DNA positions 714 to 719, 6 bases deleted (TGCTGA; older notation c.714_719delTGCTGA).
Protein change: p.Asp238_Ala239del.
Molecular consequence: inframe deletion.
Genome position (GRCh38, 1-based): chr13:23,324,379-23,324,384, TGCTGA deleted; deleting any 6 consecutive bases within chr13:23,324,376-23,324,384 gives the same sequence; the c. name uses the placement nearest the transcript's 3' end. VCF-style (leftmost placement, unchanged base first): chr13-23324375-TTGATGC-T. GRCh37 (hg19) VCF-style: chr13-23898514-TTGATGC-T.
Other names: c.714_719del6 (NM_000231.2); c.768_773del, p.Asp256_Ala257del (NM_001378244.1); c.714_719del, p.Asp238_Ala239del (NM_001378245.1, NM_001378246.1).
Identifiers: ClinVar variation 555343 (VCV000555343.8), dbSNP rs1555248287, ClinGen allele CA658823498.
Genomic context (GRCh38, chr13:23,324,375, plus strand): 5'-CTGACCAGGGTGGCCCTTCCTTAACTCTTCGTCTCTCATCTTCTCCCAACCAGCTTGTGC[TTGATGC>T]TGAAACTGTGTGCTTACCCAAGCTGGTGCAGGGGACGTGGGGTCCCTCTGGCAGCTCACA-3'